The following is an entry in ClinVar:

NM_000284.4(PDHA1):c.29G>C (p.Arg10Pro)

Gene: PDHA1 (pyruvate dehydrogenase E1 subunit alpha 1; plus strand). Cytogenetic location: Xp22.12.
Variant type: single nucleotide variant.
Coding change: c.29G>C on transcript NM_000284.4 (MANE Select); coding-DNA position 29, G replaced by C.
Protein change: p.Arg10Pro; replaces arginine 10 with proline.
Molecular consequence: missense variant.
Genome position (GRCh38, 1-based): chrX:19,344,066, G>C. VCF-style: chrX-19344066-G-C. GRCh37 (hg19) VCF-style: chrX-19362184-G-C.
Other names: c.29G>C, p.Arg10Pro (NM_001173454.2, NM_001173455.2, NM_001173456.2); c.29G>C (NM_000284.3); short protein forms R10P.
Identifiers: ClinVar variation 10887 (VCV000010887.2), dbSNP rs137853257, ClinGen allele CA121223.

ClinVar aggregate classification (germline): Pathogenic/Likely pathogenic. Review status: no assertion criteria provided (0 of 4 stars). 2 submissions from 2 submitters: Pathogenic (1); Likely pathogenic (1). Last evaluated 2024-10-15.

Conditions:
Pyruvate dehydrogenase E1-alpha deficiency (PDHAD). Also called: ATAXIA, INTERMITTENT, WITH PYRUVATE DEHYDROGENASE DEFICIENCY; ATAXIA WITH LACTIC ACIDOSIS I; ATAXIA, INTERMITTENT, WITH ABNORMAL PYRUVATE METABOLISM; Ataxia, intermittent, with pyruvate dehydrogenase, or decarboxylase, deficiency. Identifiers: Orphanet 79243, MedGen C1839413, MONDO:0010717, OMIM 312170.

Submissions (2):

PDHA1 Study Group, University Children’s Hospital, Paracelsus Medical University
Classification: Likely pathogenic for Pyruvate dehydrogenase E1-alpha deficiency. Last evaluated: 2024-10-15. Review status: no assertion criteria provided. Collection method: research. Allele origin: de novo. Affected: yes. Observed: 3 variant alleles.
Comment: The NM_000284.3:c.29G>C (p.Arg10Pro) substitution is a missense variant in PDHA1 gene. In total, 3 individuals were diagnosed with PDHA1-related Pyruvate dehydrogenase complex (PDHc) deficiency (MIM #312170). Among them, 1 case had confirmed de novo occurrence, and 2 were confirmed inherited. The variant has been reported in 3 published cases (PMIDs: 7573035). Last literature search: July 12, 2024. This variant is absent or extremely rare in population-based cohorts in the Genome Aggregation Database (gnomAD). Individuals harboring this variant presented with clinical features compatible with PDHA1-related PDHc deficiency. In summary, this variant meets criteria to be classified as likely pathogenic (LP) for PDHA1-related PDHc deficiency based on the ACMG/AMP criteria applied: PS3, PM2, PM7, PP3 (last assessment October 15, 2024).

OMIM
Classification: Pathogenic for PYRUVATE DEHYDROGENASE E1-ALPHA DEFICIENCY. Last evaluated: 1995-10-01. Review status: no assertion criteria provided. Collection method: literature only. Allele origin: germline.

Literature cited by the submitters: PubMed 7573035 (cited by PDHA1 Study Group, University Children’s Hospital, Paracelsus Medical University and OMIM); DOI 10.1093/brain/awaf430 (cited by PDHA1 Study Group, University Children’s Hospital, Paracelsus Medical University).